The following is an entry in ClinVar:

ClinVar aggregate classification (germline): Uncertain significance (1 of 4 stars; one submission).

Allele frequency attached by ClinVar (database versions not stated): gnomAD exomes below 0.00001.

Submission:

GeneDx
Classification: Uncertain significance. Last evaluated: 2017-04-25. Review status: criteria provided, single submitter. Criteria: GeneDx Variant Classification (06012015). Collection method: clinical testing. Allele origin: germline. Affected: yes.
Comment: The c.698_699insCCC variant in the VARS2 gene has not been reported previously as a pathogenic variant, nor as a benign variant, to our knowledge. The c.698_699insCCC variant causes an in-frame insertion of a single Proline residue at position 234, denoted p.Gly233_Val234insP. This amino acid insertion occurs at a position that is conserved across species. The c.698_699insCCC variant is not observed in large population cohorts (Lek et al., 2016; 1000 Genomes Consortium et al., 2015; Exome Variant Server). We interpret c.698_699insCCC as a variant of uncertain significance.

NM_020442.6(VARS2):c.608_609insCCC (p.Gly203_Val204insPro)

Gene: VARS2 (valyl-tRNA synthetase 2, mitochondrial; plus strand). Cytogenetic location: 6p21.33.
Variant type: Insertion.
Coding change: c.608_609insCCC on transcript NM_020442.6 (MANE Select); coding-DNA positions 608 to 609, CCC inserted.
Protein change: p.Gly203_Val204insPro.
Molecular consequence: inframe insertion.
Genome position: GRCh38 VCF-style: chr6-30916186-G-GCCC. GRCh37 (hg19) VCF-style: chr6-30883963-G-GCCC.
Other names: c.188_189insCCC, p.Gly63_Val64insPro (NM_001167733.3); c.698_699insCCC, p.Gly233_Val234insPro (NM_001167734.2).
Identifiers: ClinVar variation 426234 (VCV000426234.2), dbSNP rs1085307515, ClinGen allele CA645293868.
Genomic context (GRCh38, chr6:30,916,186, plus strand): 5'-TTCATTTGCCCTGAATCCAACTGCAGGCTGTGGTGGAGAAACAACTGTGGAAGGAACGGG[G>GCCC]AGTGAGGAGACATGAGCTGAGCCGGGAGGCCTTCCTTAGGGAGGTGTGGCAGTGGAAGGA-3'